The following is an entry in ClinVar:

ClinVar aggregate classification (germline): Uncertain significance. Review status: criteria provided, multiple submitters, no conflicts (2 of 4 stars). 2 submissions from 2 submitters: Uncertain significance (2). Last evaluated 2024-10-08.

Allele frequency attached by ClinVar (database versions not stated): gnomAD exomes 0.00001; ExAC 0.00001.
gnomAD v4.1: 3 of 1,211,693 alleles (0.00025%); highest among the groups gnomAD compares: East Asian, 0.003%; no homozygotes.

Submissions (2):

Mayo Clinic Laboratories, Mayo Clinic
Classification: Uncertain significance. Last evaluated: 2024-10-08. Review status: criteria provided, single submitter. Criteria: ACMG Guidelines, 2015. Collection method: clinical testing. Allele origin: germline. Observed: 1 variant allele.
Comment: PM2_supporting

GeneDx
Classification: Uncertain significance. Last evaluated: 2017-02-20. Review status: criteria provided, single submitter. Criteria: GeneDx Variant Classification (06012015). Collection method: clinical testing. Allele origin: germline. Affected: yes.
Comment: The R140W variant in the GATA1 gene has not been reported previously as a pathogenic variant, nor as a benign variant, to our knowledge. The R140W variant is not observed at a significant frequency in large population cohorts (Lek et al., 2016; 1000 Genomes Consortium et al., 2015; Exome Variant Server). The R140W variant is a non-conservative amino acid substitution, which is likely to impact secondary protein structure as these residues differ in polarity, charge, size and/or other properties. This substitution occurs at a position that is conserved across species. In silico analysis predicts this variant is probably damaging to the protein structure/function. We interpret R140W as a variant of uncertain significance.

NM_002049.4(GATA1):c.418C>T (p.Arg140Trp)

Gene: GATA1 (GATA binding protein 1; plus strand). Cytogenetic location: Xp11.23.
Variant type: single nucleotide variant.
Coding change: c.418C>T on transcript NM_002049.4 (MANE Select); coding-DNA position 418, C replaced by T.
Protein change: p.Arg140Trp; replaces arginine 140 with tryptophan.
Molecular consequence: missense variant.
Genome position (GRCh38, 1-based): chrX:48,792,041, C>T. VCF-style: chrX-48792041-C-T. GRCh37 (hg19) VCF-style: chrX-48650448-C-T.
Other names: p.Arg140Trp; short protein forms R140W.
Identifiers: ClinVar variation 423455 (VCV000423455.3), dbSNP rs781904528, ClinGen allele CA10404605.